The following is an entry in ClinVar:

NC_000023.10:g.(?_31627738)_(31893500_?)del

Gene: DMD (dystrophin; minus strand). Cytogenetic location: Xp21.1.
Variant type: Deletion.
Identifiers: ClinVar variation 1072240 (VCV001072240.1).

ClinVar aggregate classification (germline): Pathogenic (1 of 4 stars; one submission).

Conditions:
Duchenne muscular dystrophy (DMD). Also called: MUSCULAR DYSTROPHY, PSEUDOHYPERTROPHIC PROGRESSIVE, DUCHENNE TYPE; Duchenne Muscular Dystrophy (DMD). Identifiers: Orphanet 98896, MedGen C0013264, MONDO:0010679, OMIM 310200.

Submission:

Labcorp Genetics (formerly Invitae), Labcorp
Classification: Pathogenic for Duchenne muscular dystrophy. Last evaluated: 2020-08-29. Review status: criteria provided, single submitter. Criteria: Invitae Variant Classification Sherloc (09022015). Collection method: clinical testing. Allele origin: germline.
Comment: This variant is an in-frame deletion of the genomic region encompassing exons 48-55 of the DMD gene. It preserves the integrity of the reading frame. A similar deletion of exons 48-55 has been reported in an individual affected with Duchenne or Becker muscular dystrophy (PMID: 24928015) and in an individual affected with dilated cardiomyopathy (PMID: 21851881). The region of the DMD gene that includes exon(s) 48-53 has been determined to be clinically significant (PMID: 19907931, 18663755, 17854090, 10841222). Therefore, deletions that encompass that region are likely to disrupt protein function and cause disease. For these reasons, this variant has been classified as Pathogenic.

Literature cited by the submitters: PubMed 24928015; PubMed 21851881; PubMed 19907931; PubMed 18663755; PubMed 17854090; PubMed 10841222.